The following is an entry in ClinVar:

ClinVar aggregate classification (germline): Uncertain significance (1 of 4 stars; one submission).

gnomAD v4.1: 16 of 1,397,900 alleles (0.0011%); highest among the groups gnomAD compares: Admixed American, 0.031%; no homozygotes.

Submission:

Labcorp Genetics (formerly Invitae), Labcorp
Classification: Uncertain significance. Last evaluated: 2024-12-24. Review status: criteria provided, single submitter. Criteria: Invitae Variant Classification Sherloc (09022015). Collection method: clinical testing. Allele origin: germline.
Comment: This sequence change replaces glutamic acid, which is acidic and polar, with aspartic acid, which is acidic and polar, at codon 231 of the TMEM132E protein (p.Glu231Asp). This variant is not present in population databases (gnomAD no frequency). This variant has not been reported in the literature in individuals affected with TMEM132E-related conditions. Experimental studies and prediction algorithms are not available or were not evaluated, and the functional significance of this variant is currently unknown. In summary, the available evidence is currently insufficient to determine the role of this variant in disease. Therefore, it has been classified as a Variant of Uncertain Significance.

NM_001304438.2(TMEM132E):c.693G>T (p.Glu231Asp)

Gene: TMEM132E (transmembrane protein 132E; plus strand). Cytogenetic location: 17q12.
Variant type: single nucleotide variant.
Coding change: c.693G>T on transcript NM_001304438.2 (MANE Select); coding-DNA position 693, G replaced by T.
Protein change: p.Glu231Asp; replaces glutamic acid 231 with aspartic acid.
Molecular consequence: missense variant.
Genome position (GRCh38, 1-based): chr17:34,626,752, G>T. VCF-style: chr17-34626752-G-T. GRCh37 (hg19) VCF-style: chr17-32953771-G-T.
Other names: short protein forms E231D.
Identifiers: ClinVar variation 3719204 (VCV003719204.2).